The following is an entry in ClinVar:

ClinVar aggregate classification (germline): Uncertain significance (1 of 4 stars; one submission).

Conditions:
Sandhoff disease. Also called: GM2-GANGLIOSIDOSIS, TYPE II; HEXOSAMINIDASES A AND B DEFICIENCY; Beta-hexosaminidase-beta-subunit deficiency; GM2 gangliosidosis, type 2; Total hexosaminidase deficiency; Sandhoff-Jatzkewitz-Pilz disease. Identifiers: Orphanet 796, MedGen C0036161, MONDO:0010006, OMIM 268800.

Allele frequency attached by ClinVar (database versions not stated): gnomAD exomes 0.00004; ExAC 0.00015; 1000 Genomes Project 0.00020; ESP Exome Variant Server 0.00023; 1000 Genomes Project 30x 0.00031; TOPMed 0.00046; gnomAD 0.00049.
gnomAD v4.1: 138 of 1,611,406 alleles (0.0086%); highest among the groups gnomAD compares: African/African-American, 0.17%; no homozygotes.

Submission:

Labcorp Genetics (formerly Invitae), Labcorp
Classification: Uncertain significance for Sandhoff disease. Last evaluated: 2022-08-09. Review status: criteria provided, single submitter. Criteria: Invitae Variant Classification Sherloc (09022015). Collection method: clinical testing. Allele origin: germline.
Comment: This sequence change replaces proline, which is neutral and non-polar, with alanine, which is neutral and non-polar, at codon 308 of the HEXB protein (p.Pro308Ala). This variant is present in population databases (rs150465843, gnomAD 0.2%). This variant has not been reported in the literature in individuals affected with HEXB-related conditions. Algorithms developed to predict the effect of missense changes on protein structure and function output the following: SIFT: "Tolerated"; PolyPhen-2: "Benign"; Align-GVGD: "Class C0". The alanine amino acid residue is found in multiple mammalian species, which suggests that this missense change does not adversely affect protein function. In summary, the available evidence is currently insufficient to determine the role of this variant in disease. Therefore, it has been classified as a Variant of Uncertain Significance.

NM_000521.4(HEXB):c.922C>G (p.Pro308Ala)

Gene: HEXB (hexosaminidase subunit beta; plus strand). Cytogenetic location: 5q13.3.
Variant type: single nucleotide variant.
Coding change: c.922C>G on transcript NM_000521.4 (MANE Select); coding-DNA position 922, C replaced by G.
Protein change: p.Pro308Ala; replaces proline 308 with alanine.
Molecular consequence: missense variant.
Genome position (GRCh38, 1-based): chr5:74,715,530, C>G. VCF-style: chr5-74715530-C-G. GRCh37 (hg19) VCF-style: chr5-74011355-C-G.
Other names: c.247C>G, p.Pro83Ala (NM_001292004.2); short protein forms P83A, P308A.
Identifiers: ClinVar variation 2045558 (VCV002045558.1), dbSNP rs150465843, ClinGen allele CA3305986.